The following is an entry in ClinVar:

ClinVar aggregate classification (germline): Uncertain significance. Review status: criteria provided, multiple submitters, no conflicts (2 of 4 stars). 2 submissions from 2 submitters: Uncertain significance (2). Last evaluated 2025-11-18.

Conditions:
Hereditary cancer-predisposing syndrome. Also called: Tumor predisposition; Neoplastic Syndromes, Hereditary; Hereditary Cancer Syndrome; Hereditary neoplastic syndrome. Identifiers: Orphanet 140162, MedGen C0027672, MeSH D009386, MONDO:0015356.
Neuroblastoma, susceptibility to, 3. Also called: ALK-Related Neuroblastic Tumor Susceptibility. Identifiers: Orphanet 635, MedGen C2751681, MONDO:0013083, OMIM 613014.

Allele frequency attached by ClinVar (database versions not stated): gnomAD exomes below 0.00001; gnomAD 0.00001; TOPMed 0.00001.
gnomAD v4.1: 2 of 1,614,034 alleles (0.00012%); highest among the groups gnomAD compares: Non-Finnish European, 0.00017%; no homozygotes.

Submissions (2):

Labcorp Genetics (formerly Invitae), Labcorp
Classification: Uncertain significance for Neuroblastoma, susceptibility to, 3. Last evaluated: 2025-11-18. Review status: criteria provided, single submitter. Criteria: Invitae Variant Classification Sherloc (09022015). Collection method: clinical testing. Allele origin: germline.
Comment: This sequence change replaces leucine, which is neutral and non-polar, with valine, which is neutral and non-polar, at codon 1380 of the ALK protein (p.Leu1380Val). This variant is not present in population databases (gnomAD no frequency). This variant has not been reported in the literature in individuals affected with ALK-related conditions. ClinVar contains an entry for this variant (Variation ID: 404342). An algorithm developed to predict the effect of missense changes on protein structure and function (PolyPhen-2) suggests that this variant is likely to be disruptive. In summary, the available evidence is currently insufficient to determine the role of this variant in disease. Therefore, it has been classified as a Variant of Uncertain Significance.

Ambry Genetics
Classification: Uncertain significance for Hereditary cancer-predisposing syndrome. Last evaluated: 2024-01-10. Review status: criteria provided, single submitter. Criteria: Ambry Variant Classification Scheme 2023. Collection method: clinical testing. Allele origin: germline.
Comment: The p.L1380V variant (also known as c.4138T>G), located in coding exon 28 of the ALK gene, results from a T to G substitution at nucleotide position 4138. The leucine at codon 1380 is replaced by valine, an amino acid with highly similar properties. This amino acid position is highly conserved in available vertebrate species. In addition, the in silico prediction for this alteration is inconclusive. Since supporting evidence is limited at this time, the clinical significance of this alteration remains unclear.

NM_004304.5(ALK):c.4138T>G (p.Leu1380Val)

Gene: ALK (ALK receptor tyrosine kinase; minus strand). Cytogenetic location: 2p23.2.
Variant type: single nucleotide variant.
Coding change: c.4138T>G on transcript NM_004304.5 (MANE Select); coding-DNA position 4138, T replaced by G.
Protein change: p.Leu1380Val; replaces leucine 1380 with valine.
Molecular consequence: missense variant.
Genome position (GRCh38, 1-based): chr2:29,196,796, A>C on the plus strand (T>G on the coding strand, the complement: ALK is on the minus strand). VCF-style: chr2-29196796-A-C. GRCh37 (hg19) VCF-style: chr2-29419662-A-C.
Other names: c.934T>G, p.Leu312Val (NM_001353765.2); short protein forms L1380V, L312V.
Identifiers: ClinVar variation 404342 (VCV000404342.16), dbSNP rs1060500216, ClinGen allele CA16610724.